The following is an entry in ClinVar:

ClinVar aggregate classification (germline): Benign/Likely benign. Review status: criteria provided, multiple submitters, no conflicts (2 of 4 stars). 3 submissions from 3 submitters: Benign (1); Likely benign (2). Last evaluated 2022-08-24.

Conditions:
Absence seizure. Also called: Absence epilepsy. Identifiers: Orphanet 1941, MedGen C0014553.
Myoclonic epilepsy, juvenile, susceptibility to, 1. Also called: Myoclonic Epilepsy, Juvenile, 1; EJM1. Identifiers: MedGen C1850778, MONDO:0020752, OMIM 254770.

Allele frequency attached by ClinVar (database versions not stated): gnomAD 0.00005 and 0.00006; TOPMed 0.00006.
gnomAD v4.1: 122 of 1,613,948 alleles (0.0076%); highest among the groups gnomAD compares: South Asian, 0.013%; no homozygotes.

Submissions (3):

Blueprint Genetics
Classification: Likely benign. Last evaluated: 2022-08-24. Review status: criteria provided, single submitter. Criteria: ACMG Guidelines, 2015. Collection method: clinical testing. Allele origin: germline.

Labcorp Genetics (formerly Invitae), Labcorp
Classification: Likely benign for Myoclonic epilepsy, juvenile, susceptibility to, 1; Absence seizure. Last evaluated: 2020-11-17. Review status: criteria provided, single submitter. Criteria: Invitae Variant Classification Sherloc (09022015). Collection method: clinical testing. Allele origin: germline.

GeneDx
Classification: Benign. Last evaluated: 2015-03-16. Review status: criteria provided, single submitter. Criteria: GeneDx Variant Classification (06012015). Collection method: clinical testing. Allele origin: germline. Affected: yes.
Comment: This variant is considered likely benign or benign based on one or more of the following criteria: it is a conservative change, it occurs at a poorly conserved position in the protein, it is predicted to be benign by multiple in silico algorithms, and/or has population frequency not consistent with disease.

NM_018100.4(EFHC1):c.1338C>T (p.Thr446=)

Gene: EFHC1 (EF-hand domain containing 1; plus strand). Cytogenetic location: 6p12.2.
Variant type: single nucleotide variant.
Coding change: c.1338C>T on transcript NM_018100.4 (MANE Select); coding-DNA position 1338, C replaced by T.
Protein change: p.Thr446=; no amino-acid change (threonine 446 retained).
Molecular consequence: synonymous variant. On other transcripts: non-coding transcript variant (1).
Genome position (GRCh38, 1-based): chr6:52,479,096, C>T. VCF-style: chr6-52479096-C-T. GRCh37 (hg19) VCF-style: chr6-52343894-C-T.
Other names: c.1281C>T, p.Thr427= (NM_001172420.2).
Identifiers: ClinVar variation 377825 (VCV000377825.14), dbSNP rs546464826, ClinGen allele CA3856069.